The following is an entry in ClinVar:

NM_001375808.2(LPIN2):c.289-1G>T

Gene: LPIN2 (lipin 2; minus strand). Cytogenetic location: 18p11.31.
Variant type: single nucleotide variant.
Coding change: c.289-1G>T on transcript NM_001375808.2 (MANE Select); the canonical splice acceptor site of the intron before coding-DNA position 289, G replaced by T.
Molecular consequence: splice acceptor variant.
Genome position (GRCh38, 1-based): chr18:2,951,357, C>A on the plus strand (G>T on the coding strand, the complement: LPIN2 is on the minus strand). VCF-style: chr18-2951357-C-A. GRCh37 (hg19) VCF-style: chr18-2951355-C-A.
Other names: c.289-1G>T (NM_014646.2, NM_001375809.1).
Identifiers: ClinVar variation 2784755 (VCV002784755.3), dbSNP rs1196587621, ClinGen allele CA401709407.
Genomic context (GRCh38, chr18:2,951,357, plus strand): 5'-TTTAAAGAACTGATCTTCAGTAGGAATTGGTGAGGTGGCAAGGTAAGCAGGAAGCTTTTC[C>A]TTGAGGAGAATGGAGAAAGAAAAGTTATCCATGACAAACTCGACAGTGAATTAAAGCAGT-3'

ClinVar aggregate classification (germline): Likely pathogenic (1 of 4 stars; one submission).

Conditions:
Majeed syndrome (MJDS). Also called: CHRONIC RECURRENT MULTIFOCAL OSTEOMYELITIS 1, WITH CONGENITAL DYSERYTHROPOIETIC ANEMIA, WITH OR WITHOUT NEUTROPHILIC DERMATOSIS; LPIN2-Related Majeed Syndrome. Identifiers: Orphanet 77297, MedGen C1864997, MONDO:0012316, OMIM 609628.

gnomAD v4.1: 1 of 1,613,600 alleles (0.000062%); highest among the groups gnomAD compares: Non-Finnish European, 0.000085%; no homozygotes.

Submission:

Labcorp Genetics (formerly Invitae), Labcorp
Classification: Likely pathogenic for Majeed syndrome. Last evaluated: 2023-06-14. Review status: criteria provided, single submitter. Criteria: Invitae Variant Classification Sherloc (09022015). Collection method: clinical testing. Allele origin: germline.
Comment: This sequence change affects an acceptor splice site in intron 3 of the LPIN2 gene. It is expected to disrupt RNA splicing. Variants that disrupt the donor or acceptor splice site typically lead to a loss of protein function (PMID: 16199547), and loss-of-function variants in LPIN2 are known to be pathogenic (PMID: 15994876, 23087183). In summary, the currently available evidence indicates that the variant is pathogenic, but additional data are needed to prove that conclusively. Therefore, this variant has been classified as Likely Pathogenic. The frequency data for this variant in the population databases is considered unreliable, as metrics indicate poor data quality at this position in the gnomAD database. This variant has not been reported in the literature in individuals affected with LPIN2-related conditions. Algorithms developed to predict the effect of sequence changes on RNA splicing suggest that this variant may disrupt the consensus splice site.

Literature cited by the submitters: PubMed 16199547; PubMed 15994876; PubMed 23087183.